The following is an entry in ClinVar:

NM_012197.4(RABGAP1):c.101A>G (p.Glu34Gly)

Gene: RABGAP1 (RAB GTPase activating protein 1; plus strand). Cytogenetic location: 9q33.2.
Variant type: single nucleotide variant.
Coding change: c.101A>G on transcript NM_012197.4 (MANE Select); coding-DNA position 101, A replaced by G.
Protein change: p.Glu34Gly; replaces glutamic acid 34 with glycine.
Molecular consequence: missense variant.
Genome position (GRCh38, 1-based): chr9:122,957,160, A>G. VCF-style: chr9-122957160-A-G. GRCh37 (hg19) VCF-style: chr9-125719439-A-G.
Other names: short protein forms E34G.
Identifiers: ClinVar variation 3312225 (VCV003312225.2).

ClinVar aggregate classification (germline): Uncertain significance. Review status: criteria provided, multiple submitters, no conflicts (2 of 4 stars). 2 submissions from 2 submitters: Uncertain significance (2). Last evaluated 2025-08-02.

gnomAD v4.1: 28 of 1,571,722 alleles (0.0018%); highest among the groups gnomAD compares: Non-Finnish European, 0.0023%; no homozygotes.

Submissions (2):

GeneDx
Classification: Uncertain significance. Last evaluated: 2025-08-02. Review status: criteria provided, single submitter. Criteria: GeneDx Variant Classification Process June 2021. Collection method: clinical testing. Allele origin: germline. Affected: yes.
Comment: In silico analysis suggests that this missense variant does not alter protein structure/function; Has not been previously published as pathogenic or benign to our knowledge

Ambry Genetics
Classification: Uncertain significance. Last evaluated: 2024-05-30. Review status: criteria provided, single submitter. Criteria: Ambry Variant Classification Scheme 2023. Collection method: clinical testing. Allele origin: germline.